The following is an entry in ClinVar:

NM_000175.5(GPI):c.486+7A>G

Gene: GPI (glucose-6-phosphate isomerase; plus strand). Cytogenetic location: 19q13.11.
Variant type: single nucleotide variant.
Coding change: c.486+7A>G on transcript NM_000175.5 (MANE Select); 7 bases into the intron after coding-DNA position 486, A replaced by G.
Molecular consequence: intron variant.
Genome position (GRCh38, 1-based): chr19:34,377,593, A>G. VCF-style: chr19-34377593-A-G. GRCh37 (hg19) VCF-style: chr19-34868498-A-G.
Other names: c.603+7A>G (NM_001289789.1); c.520-142A>G (NM_001184722.1); c.486+7A>G (NM_001329909.1, NM_001329910.1, NM_001329911.2); c.403-142A>G (NM_001289790.3).
Identifiers: ClinVar variation 1563605 (VCV001563605.15), dbSNP rs201283206, ClinGen allele CA9367056.
Genomic context (GRCh38, chr19:34,377,593, plus strand): 5'-ACAGGCAAGACCATCACGGACGTCATCAACATTGGCATTGGCGGCTCCGACCTGGTGAGG[A>G]GAAAACTGCCTTGGGGTAGGGTGGGAGTCTGGGCACTGTTGGTCCCACTCAGGTCTTTAC-3'

ClinVar aggregate classification (germline): Benign/Likely benign. Review status: criteria provided, multiple submitters, no conflicts (2 of 4 stars). 2 submissions from 2 submitters: Benign (1); Likely benign (1). Last evaluated 2025-04-01.

Allele frequency attached by ClinVar (database versions not stated): gnomAD 0.00009 and 0.00016; gnomAD exomes 0.00018 and 0.00036; TOPMed 0.00024; ExAC 0.00040; 1000 Genomes Project 30x 0.00078; 1000 Genomes Project 0.00100.
gnomAD v4.1: 286 of 1,610,212 alleles (0.018%); highest among the groups gnomAD compares: East Asian, 0.52%; 1 homozygote.

Submissions (2):

CeGaT Center for Human Genetics Tuebingen
Classification: Likely benign. Last evaluated: 2025-04-01. Review status: criteria provided, single submitter. Criteria: CeGaT Center For Human Genetics Tuebingen Variant Classification Criteria Version 2. Collection method: clinical testing. Allele origin: germline. Affected: yes. Observed: 1 variant allele.
Comment: GPI: BP4

Labcorp Genetics (formerly Invitae), Labcorp
Classification: Benign. Last evaluated: 2021-06-07. Review status: criteria provided, single submitter. Criteria: Invitae Variant Classification Sherloc (09022015). Collection method: clinical testing. Allele origin: germline.